The following is an entry in ClinVar:

ClinVar aggregate classification (germline): Uncertain significance. Review status: criteria provided, multiple submitters, no conflicts (2 of 4 stars). 2 submissions from 2 submitters: Uncertain significance (2). Last evaluated 2022-01-20.

Conditions:
Neurofibromatosis, type 1 (NF1). Also called: Peripheral type neurofibromatosis; Neurofibromatosis, type I; VON RECKLINGHAUSEN DISEASE; NEUROFIBROMATOSIS, TYPE I, SOMATIC. Identifiers: Orphanet 636, MedGen C0027831, MONDO:0018975, OMIM 162200. Disease mechanism: loss of function.

Submissions (2):

Blueprint Genetics
Classification: Uncertain significance. Last evaluated: 2022-01-20. Review status: criteria provided, single submitter. Criteria: ACMG Guidelines, 2015. Collection method: clinical testing. Allele origin: germline.

Labcorp Genetics (formerly Invitae), Labcorp
Classification: Uncertain significance for Neurofibromatosis, type 1. Last evaluated: 2021-01-30. Review status: criteria provided, single submitter. Criteria: Invitae Variant Classification Sherloc (09022015). Collection method: clinical testing. Allele origin: germline.
Comment: Advanced modeling of protein sequence and biophysical properties (such as structural, functional, and spatial information, amino acid conservation, physicochemical variation, residue mobility, and thermodynamic stability) performed at Invitae indicates that this missense variant is not expected to disrupt NF1 protein function. This variant has not been reported in the literature in individuals with NF1-related conditions. This variant is not present in population databases (ExAC no frequency). This sequence change replaces glycine with glutamic acid at codon 515 of the NF1 protein (p.Gly515Glu). The glycine residue is moderately conserved and there is a moderate physicochemical difference between glycine and glutamic acid. In summary, the available evidence is currently insufficient to determine the role of this variant in disease. Therefore, it has been classified as a Variant of Uncertain Significance.

NM_001042492.3(NF1):c.1544G>A (p.Gly515Glu)

Gene: NF1 (neurofibromin 1; plus strand). Cytogenetic location: 17q11.2.
Variant type: single nucleotide variant.
Coding change: c.1544G>A on transcript NM_001042492.3 (MANE Select); coding-DNA position 1544, G replaced by A.
Protein change: p.Gly515Glu; replaces glycine 515 with glutamic acid.
Molecular consequence: missense variant.
Genome position (GRCh38, 1-based): chr17:31,219,021, G>A. VCF-style: chr17-31219021-G-A. GRCh37 (hg19) VCF-style: chr17-29546039-G-A.
Other names: c.1544G>A, p.Gly515Glu (NM_000267.4, NM_001128147.3); short protein forms G515E.
Identifiers: ClinVar variation 1367937 (VCV001367937.9), dbSNP rs2143985792, ClinGen allele CA399001847.